The following is an entry in ClinVar:

ClinVar aggregate classification (germline): Uncertain significance. Review status: criteria provided, multiple submitters, no conflicts (2 of 4 stars). 2 submissions from 2 submitters: Uncertain significance (2). Last evaluated 2023-09-25.

Conditions:
Imerslund-Grasbeck syndrome. Also called: Megaloblastic anemia due to inborn errors of metabolism; Imerslund-Gräsbeck syndrome; ENTEROCYTE COBALAMIN MALABSORPTION; ENTEROCYTE INTRINSIC FACTOR RECEPTOR, DEFECT OF; PERNICIOUS ANEMIA, JUVENILE, DUE TO SELECTIVE INTESTINAL MALABSORPTION OF VITAMIN B12, WITH PROTEINURIA. Identifiers: Orphanet 35858, MedGen C4551825, MONDO:0009853.

Allele frequency attached by ClinVar (database versions not stated): ExAC 0.00001.
gnomAD v4.1: 5 of 1,614,000 alleles (0.00031%); highest among the groups gnomAD compares: Non-Finnish European, 0.00017%; no homozygotes.

Submissions (2):

Blueprint Genetics
Classification: Uncertain significance. Last evaluated: 2023-09-25. Review status: criteria provided, single submitter. Criteria: ACMG Guidelines, 2015. Collection method: clinical testing. Allele origin: germline.

Labcorp Genetics (formerly Invitae), Labcorp
Classification: Uncertain significance for Imerslund-Grasbeck syndrome. Last evaluated: 2022-10-17. Review status: criteria provided, single submitter. Criteria: Invitae Variant Classification Sherloc (09022015). Collection method: clinical testing. Allele origin: germline.
Comment: This sequence change replaces alanine, which is neutral and non-polar, with threonine, which is neutral and polar, at codon 3243 of the CUBN protein (p.Ala3243Thr). This variant is present in population databases (rs200876086, gnomAD 0.0009%). This variant has not been reported in the literature in individuals affected with CUBN-related conditions. Advanced modeling of protein sequence and biophysical properties (such as structural, functional, and spatial information, amino acid conservation, physicochemical variation, residue mobility, and thermodynamic stability) performed at Invitae indicates that this missense variant is not expected to disrupt CUBN protein function. In summary, the available evidence is currently insufficient to determine the role of this variant in disease. Therefore, it has been classified as a Variant of Uncertain Significance.

NM_001081.4(CUBN):c.9727G>A (p.Ala3243Thr)

Gene: CUBN (cubilin; minus strand). Cytogenetic location: 10p13.
Variant type: single nucleotide variant.
Coding change: c.9727G>A on transcript NM_001081.4 (MANE Select); coding-DNA position 9727, G replaced by A.
Protein change: p.Ala3243Thr; replaces alanine 3243 with threonine.
Molecular consequence: missense variant.
Genome position (GRCh38, 1-based): chr10:16,840,984, C>T on the plus strand (G>A on the coding strand, the complement: CUBN is on the minus strand). VCF-style: chr10-16840984-C-T. GRCh37 (hg19) VCF-style: chr10-16882983-C-T.
Other names: short protein forms A3243T.
Identifiers: ClinVar variation 1954027 (VCV001954027.3), dbSNP rs200876086, ClinGen allele CA5422608.
Genomic context (GRCh38, chr10:16,840,984, plus strand): 5'-CTAATGTTAAGTCACTGATGAATTGAACCGTAAGGAAGTTACCAGAAGAGATAAAAGGAG[C>T]AGGTACTGTGGAACCACAAAACGTTCCAGCCAAGTTCGCATTTTCACTATCCCCATCATA-3'
Protein context (NP_001072.2, residues 3233-3253): AGTFCGSTVP[Ala3243Thr]PFISSGNFLT